The following is an entry in ClinVar:

ClinVar aggregate classification (germline): Uncertain significance (1 of 4 stars; one submission).

Conditions:
Long QT syndrome (LQTS). Identifiers: MedGen C0023976, MeSH D008133, MONDO:0002442. Disease mechanism: loss of function. Inheritance: Various modes of inheritance.

Submission:

Labcorp Genetics (formerly Invitae), Labcorp
Classification: Uncertain significance for Long QT syndrome. Last evaluated: 2024-06-03. Review status: criteria provided, single submitter. Criteria: Invitae Variant Classification Sherloc (09022015). Collection method: clinical testing. Allele origin: germline.
Comment: This sequence change replaces methionine, which is neutral and non-polar, with leucine, which is neutral and non-polar, at codon 1256 of the CACNA1C protein (p.Met1256Leu). This variant is not present in population databases (gnomAD no frequency). This variant has not been reported in the literature in individuals affected with CACNA1C-related conditions. Advanced modeling of protein sequence and biophysical properties (such as structural, functional, and spatial information, amino acid conservation, physicochemical variation, residue mobility, and thermodynamic stability) performed at Invitae indicates that this missense variant is not expected to disrupt CACNA1C protein function with a negative predictive value of 80%. In summary, the available evidence is currently insufficient to determine the role of this variant in disease. Therefore, it has been classified as a Variant of Uncertain Significance.

NM_000719.7(CACNA1C):c.3766A>C (p.Met1256Leu)

Gene: CACNA1C (calcium voltage-gated channel subunit alpha1 C; plus strand). Cytogenetic location: 12p13.33.
Variant type: single nucleotide variant.
Coding change: c.3766A>C on transcript NM_000719.7 (MANE Select); coding-DNA position 3766, A replaced by C.
Protein change: p.Met1256Leu; replaces methionine 1256 with leucine.
Molecular consequence: missense variant.
Genome position (GRCh38, 1-based): chr12:2,611,951, A>C. VCF-style: chr12-2611951-A-C. GRCh37 (hg19) VCF-style: chr12-2721117-A-C.
Other names: c.3766A>C, p.Met1256Leu (NM_001129833.2, NM_001129834.2, NM_001129835.2 and 15 more transcripts); c.3826A>C, p.Met1276Leu (NM_001129827.2, NM_001129832.2, NM_199460.4); c.3757A>C, p.Met1253Leu (NM_001129844.2); short protein forms M1256L, M1253L, M1276L.
Identifiers: ClinVar variation 3655365 (VCV003655365.2).